The following is an entry in ClinVar:

NM_017866.6(TMEM70):c.684C>G (p.Asn228Lys)

Gene: TMEM70 (transmembrane protein 70; plus strand). Cytogenetic location: 8q21.11.
Variant type: single nucleotide variant.
Coding change: c.684C>G on transcript NM_017866.6 (MANE Select); coding-DNA position 684, C replaced by G.
Protein change: p.Asn228Lys; replaces asparagine 228 with lysine.
Molecular consequence: missense variant. On other transcripts: 3 prime UTR variant (1), non-coding transcript variant (1).
Genome position (GRCh38, 1-based): chr8:73,981,522, C>G. VCF-style: chr8-73981522-C-G. GRCh37 (hg19) VCF-style: chr8-74893757-C-G.
Other names: p.N228K:AAC>AAG; c.*374C>G (NM_001040613.3); short protein forms N228K.
Identifiers: ClinVar variation 137679 (VCV000137679.37), dbSNP rs35564486, ClinGen allele CA291333.

ClinVar aggregate classification (germline): Benign/Likely benign. Review status: criteria provided, multiple submitters, no conflicts (2 of 4 stars). 10 submissions from 10 submitters: Benign (5); Likely benign (5). Last evaluated 2026-09-01.

Conditions:
Mitochondrial complex V (ATP synthase) deficiency, nuclear type 2. Also called: MITOCHONDRIAL COMPLEX V (ATP SYNTHASE) DEFICIENCY, TMEM70 TYPE; ENCEPHALOCARDIOMYOPATHY, MITOCHONDRIAL, NEONATAL, DUE TO ATP SYNTHASE DEFICIENCY; Nuclear-Encoded ATPase Deficiency, TMEM70-Related. Identifiers: Orphanet 1194, MedGen C3279699, MONDO:0013546, OMIM 614052.

Allele frequency attached by ClinVar (database versions not stated): gnomAD exomes 0.00169; ExAC 0.00180; 1000 Genomes Project 0.00479; gnomAD 0.00509 and 0.00541; ESP Exome Variant Server 0.00515; TOPMed 0.00539; 1000 Genomes Project 30x 0.00547.
gnomAD v4.1: 1,698 of 1,613,790 alleles (0.11%); highest among the groups gnomAD compares: African/African-American, 1.6%; 10 homozygotes.

Submissions (11):

CeGaT Center for Human Genetics Tuebingen
Classification: Likely benign. Last evaluated: 2026-09-01. Review status: criteria provided, single submitter. Criteria: CeGaT Center For Human Genetics Tuebingen Variant Classification Criteria Version 2. Collection method: clinical testing. Allele origin: germline. Affected: yes. Observed: 2 variant alleles.
Comment: TMEM70: BP4, BS1

Labcorp Genetics (formerly Invitae), Labcorp
Classification: Benign for Mitochondrial complex V (ATP synthase) deficiency, nuclear type 2. Last evaluated: 2026-02-04. Review status: criteria provided, single submitter. Criteria: Invitae Variant Classification Sherloc (09022015). Collection method: clinical testing. Allele origin: germline.

Blueprint Genetics
Classification: Likely benign. Last evaluated: 2024-09-27. Review status: criteria provided, single submitter. Criteria: ACMG Guidelines, 2015. Collection method: clinical testing. Allele origin: germline.

ARUP Laboratories, Molecular Genetics and Genomics, ARUP Laboratories
Classification: Likely benign for Mitochondrial complex V (ATP synthase) deficiency, nuclear type 2. Last evaluated: 2023-11-29. Review status: criteria provided, single submitter. Criteria: ARUP Molecular Germline Variant Investigation Process 2024. Collection method: clinical testing. Allele origin: germline.

Mayo Clinic Laboratories, Mayo Clinic
Classification: Benign. Last evaluated: 2023-01-04. Review status: criteria provided, single submitter. Criteria: ACMG Guidelines, 2015. Collection method: clinical testing. Allele origin: germline. Observed: 16 variant alleles.
Comment: BS1, BS2, BP4

Fulgent Genetics
Classification: Benign for Mitochondrial complex V (ATP synthase) deficiency, nuclear type 2. Last evaluated: 2021-09-30. Review status: criteria provided, single submitter. Criteria: ACMG Guidelines, 2015. Collection method: clinical testing. Allele origin: unknown.

Illumina Laboratory Services, Illumina
Classification: Benign for Mitochondrial complex V (ATP synthase) deficiency, nuclear type 2. Last evaluated: 2017-04-27. Review status: criteria provided, single submitter. Criteria: ICSL Variant Classification Criteria 13 December 2019. Collection method: clinical testing. Allele origin: germline.
Comment: This variant was observed as part of a predisposition screen in an ostensibly healthy population. A literature search was performed for the gene, cDNA change, and amino acid change (where applicable). No publications were found based on this search. Allele frequency data from public databases was too high to be consistent with this variant causing disease. Therefore, this variant is classified as benign.

Center for Pediatric Genomic Medicine, Children's Mercy Hospital and Clinics
Classification: Likely benign. Last evaluated: 2016-09-15. Review status: criteria provided, single submitter. Criteria: ACMG Guidelines, 2015. Collection method: clinical testing. Allele origin: germline.
ClinVar note: Converted during submission from Likely Benign to Likely benign.

GeneDx
Classification: Benign. Last evaluated: 2014-04-04. Review status: criteria provided, single submitter. Criteria: GeneDx Variant Classification (06012015). Collection method: clinical testing. Allele origin: germline. Affected: yes.
Comment: This variant is considered likely benign or benign based on one or more of the following criteria: it is a conservative change, it occurs at a poorly conserved position in the protein, it is predicted to be benign by multiple in silico algorithms, and/or has population frequency not consistent with disease.

Breakthrough Genomics
Classification: Likely benign. Review status: criteria provided, single submitter. Criteria: ACMG Guidelines, 2015. Collection method: not provided. Allele origin: germline. Inheritance: Autosomal recessive inheritance. Affected: yes.

Dr. Peter K. Rogan Lab, Western University
No classification provided (evidence only). Condition: Thyroid cancer, nonmedullary, 1. Review status: no classification provided. Collection method: in vitro. Allele origin: not applicable. Functional consequence: retained intron. Not counted in ClinVar's aggregate classification.